The following is an entry in ClinVar:

ClinVar aggregate classification (germline): Pathogenic/Likely pathogenic. Review status: criteria provided, multiple submitters, no conflicts (2 of 4 stars). 2 submissions from 2 submitters: Pathogenic (1); Likely pathogenic (1). Last evaluated 2026-08-06.

Conditions:
X-linked Opitz G/BBB syndrome (GBBB). Also called: OPITZ BBBG SYNDROME, TYPE I; OPITZ SYNDROME, X-LINKED; OPITZ-G SYNDROME, TYPE I; MID1-Related Opitz G/BBB Syndrome; Opitz-Frias syndrome. Identifiers: Orphanet 2745, MedGen C2936904, MONDO:0010222, OMIM 300000.

Submissions (2):

OLLIN Analises Genomicas, OLLIN
Classification: Likely pathogenic for X-linked Opitz G/BBB syndrome. Last evaluated: 2026-08-06. Review status: criteria provided, single submitter. Criteria: ACMG Guidelines 2015 PMID 25741868. Collection method: clinical testing. Allele origin: germline. Inheritance: X-linked inheritance.
Comment: This nonsense variant, located in exon 10 (of 10), is absent from gnomAD but has been reported in ClinVar (accession VCV003338810.1) and in the scientific literature, segregating with the phenotype, in individuals with MID1 related disorders (PMID: 15558842). This variant introduces a premature stop codon, which is predicted to result in either a truncated protein or degradation of the mRNA via nonsense-mediated decay (NMD). According to the currently available evidence, this variant has been classified as likely pathogenic (PVS1_S, PM2_P, PP1).

GeneDx
Classification: Pathogenic. Last evaluated: 2023-06-30. Review status: criteria provided, single submitter. Criteria: GeneDx Variant Classification Process June 2021. Collection method: clinical testing. Allele origin: germline. Affected: yes.
Comment: Nonsense variant predicted to result in protein truncation, as the last 116 amino acids are lost, and other loss-of-function variants have been reported downstream in HGMD; Not observed at significant frequency in large population cohorts (gnomAD); This variant is associated with the following publications: (PMID: 15558842)

Literature cited by the submitters: PubMed 15558842 (cited by OLLIN Analises Genomicas, OLLIN).

NM_000381.4(MID1):c.1656G>A (p.Trp552Ter)

Genes: MID1 (midline 1; minus strand), LOC126863207 (BRD4-independent group 4 enhancer GRCh37_chrX:10416979-10418178; plus strand). Cytogenetic location: Xp22.2.
Variant type: single nucleotide variant.
Coding change: c.1656G>A on transcript NM_000381.4 (MANE Select); coding-DNA position 1656, G replaced by A.
Protein change: p.Trp552Ter; replaces tryptophan 552 with a stop codon.
Molecular consequence: nonsense.
Genome position (GRCh38, 1-based): chrX:10,449,716, C>T on the plus strand (G>A on the coding strand, the complement: MID1 is on the minus strand). VCF-style: chrX-10449716-C-T. GRCh37 (hg19) VCF-style: chrX-10417756-C-T.
Other names: c.1656G>A, p.Trp552Ter (NM_001098624.2, NM_001193277.1, NM_001347733.2 and 1 more transcripts); c.1542G>A, p.Trp514Ter (NM_033289.2); short protein forms W514*, W552*.
Identifiers: ClinVar variation 3338810 (VCV003338810.2).